The following is an entry in ClinVar:

NM_000487.6(ARSA):c.799A>G (p.Ile267Val)

Gene: ARSA (arylsulfatase A; minus strand). Cytogenetic location: 22q13.33.
Variant type: single nucleotide variant.
Coding change: c.799A>G on transcript NM_000487.6 (MANE Select); coding-DNA position 799, A replaced by G.
Protein change: p.Ile267Val; replaces isoleucine 267 with valine.
Molecular consequence: missense variant.
Genome position (GRCh38, 1-based): chr22:50,626,646, T>C on the plus strand (A>G on the coding strand, the complement: ARSA is on the minus strand). VCF-style: chr22-50626646-T-C. GRCh37 (hg19) VCF-style: chr22-51065074-T-C.
Other names: c.799A>G, p.Ile267Val (NM_001085425.3, NM_001085426.3, NM_001085427.3); c.541A>G, p.Ile181Val (NM_001085428.3, NM_001362782.2); short protein forms I181V, I267V.
Identifiers: ClinVar variation 1163694 (VCV001163694.8), dbSNP rs769099985, ClinGen allele CA10324921.

ClinVar aggregate classification (germline): Uncertain significance. Review status: criteria provided, multiple submitters, no conflicts (2 of 4 stars). 2 submissions from 2 submitters: Uncertain significance (2). Last evaluated 2026-09-02.

Conditions:
Metachromatic leukodystrophy (MLD). Also called: Arylsulfatase A Deficiency; Cerebral sclerosis diffuse metachromatic form; ARSA DEFICIENCY; CEREBROSIDE SULFATASE DEFICIENCY; METACHROMATIC LEUKOENCEPHALOPATHY; SULFATIDE LIPIDOSIS. Identifiers: Orphanet 512, MedGen C0023522, MONDO:0018868, OMIM 250100.

Allele frequency attached by ClinVar (database versions not stated): TOPMed below 0.00001; gnomAD 0.00001; gnomAD exomes 0.00001 and 0.00003; ExAC 0.00003.

Submissions (2):

Myriad Genetics, Inc.
Classification: Uncertain significance for Metachromatic leukodystrophy. Last evaluated: 2026-09-02. Review status: criteria provided, single submitter. Criteria: Myriad Autosomal Dominant, Autosomal Recessive and X-Linked Classification Criteria (2023). Collection method: clinical testing. Allele origin: unknown.
Comment: NM_000487.5(ARSA):c.799A>G(I267V) is a missense variant classified as a variant of uncertain significance in the context of metachromatic leukodystrophy. I267V has not been observed in cases with relevant disease. Relevant functional assessments of this variant are not available in the literature. I267V has been observed in referenced population frequency databases. In summary, there is insufficient evidence to classify NM_000487.5(ARSA):c.799A>G(I267V) as pathogenic or benign. Please note: this variant was assessed in the context of healthy population screening.

Mayo Clinic Laboratories, Mayo Clinic
Classification: Uncertain significance. Last evaluated: 2020-04-06. Review status: criteria provided, single submitter. Criteria: ACMG Guidelines, 2015. Collection method: clinical testing. Allele origin: germline. Observed: 1 variant allele.